The following is an entry in ClinVar:

NM_001134363.3(RBM20):c.1184A>G (p.Gln395Arg)

Gene: RBM20 (RNA binding motif protein 20; plus strand). Cytogenetic location: 10q25.2.
Variant type: single nucleotide variant.
Coding change: c.1184A>G on transcript NM_001134363.3 (MANE Select); coding-DNA position 1184, A replaced by G.
Protein change: p.Gln395Arg; replaces glutamine 395 with arginine.
Molecular consequence: missense variant.
Genome position (GRCh38, 1-based): chr10:110,781,793, A>G. VCF-style: chr10-110781793-A-G. GRCh37 (hg19) VCF-style: chr10-112541551-A-G.
Other names: short protein forms Q395R.
Identifiers: ClinVar variation 1339313 (VCV001339313.1), dbSNP rs2135044852, ClinGen allele CA378385901.
Genomic context (GRCh38, chr10:110,781,793, plus strand): 5'-TTATCGGTGCTGGGCGGAGGGCCAAGGAGGACCAGGCGTTGCTATCTGTGCGGCCCCTGC[A>G]GGCTCATGAGCTGAACGACTTTCACGGTGTGGCCCCCCTCCACTTGCCGCATATCTGTAG-3'
Protein context (NP_001127835.2, residues 385-405): DQALLSVRPL[Gln395Arg]AHELNDFHGV

ClinVar aggregate classification (germline): Uncertain significance (1 of 4 stars; one submission).

Allele frequency attached by ClinVar (database versions not stated): gnomAD exomes 0.00001.
gnomAD v4.1: 3 of 1,551,790 alleles (0.00019%); highest among the groups gnomAD compares: Non-Finnish European, 0.00026%; no homozygotes.

Submission:

Phosphorus, Inc.
Classification: Uncertain significance. Last evaluated: 2022-01-14. Review status: criteria provided, single submitter. Criteria: ACMG Guidelines, 2015. Collection method: clinical testing. Allele origin: germline. Inheritance: Autosomal dominant inheritance.
Comment: This missense variant resulted in an amino acid substitution of glutamine with arginine at codon 395 of the RBM20 gene. The variant is very rare, and it has not occurred in GnomAD population databases. This position is conserved. In silico functional algorithm predicted with Polyphen calling it possibly damaging, and SIFT deleterious, but no functional studies were performed to confirm this prediction. This variant NM_001134363.2(RBM20): c.1184A>G (p.Gln395Arg) is not present in the ClinVar database. The variant has not occurred in the literature in the association with the disease. Considering that this is a rare variant, whose impact on protein and association with the disease are unknown, it has been classified as a Variant of Uncertain Significance.